The following is an entry in ClinVar:

ClinVar aggregate classification (germline): Uncertain significance (1 of 4 stars; one submission).

Submission:

Labcorp Genetics (formerly Invitae), Labcorp
Classification: Uncertain significance. Last evaluated: 2024-02-01. Review status: criteria provided, single submitter. Criteria: Invitae Variant Classification Sherloc (09022015). Collection method: clinical testing. Allele origin: germline.
Comment: This sequence change replaces glutamine, which is neutral and polar, with arginine, which is basic and polar, at codon 570 of the ATP1A1 protein (p.Gln570Arg). This variant is not present in population databases (gnomAD no frequency). This variant has not been reported in the literature in individuals affected with ATP1A1-related conditions. Advanced modeling of protein sequence and biophysical properties (such as structural, functional, and spatial information, amino acid conservation, physicochemical variation, residue mobility, and thermodynamic stability) performed at Invitae indicates that this missense variant is not expected to disrupt ATP1A1 protein function with a negative predictive value of 95%. In summary, the available evidence is currently insufficient to determine the role of this variant in disease. Therefore, it has been classified as a Variant of Uncertain Significance.

NM_000701.8(ATP1A1):c.1709A>G (p.Gln570Arg)

Genes: ATP1A1 (ATPase Na+/K+ transporting subunit alpha 1; plus strand), ATP1A1-AS1 (ATP1A1 antisense RNA 1; minus strand). Cytogenetic location: 1p13.1.
Variant type: single nucleotide variant.
Coding change: c.1709A>G on transcript NM_000701.8 (MANE Select); coding-DNA position 1709, A replaced by G.
Protein change: p.Gln570Arg; replaces glutamine 570 with arginine.
Molecular consequence: missense variant.
Genome position (GRCh38, 1-based): chr1:116,395,158, A>G. VCF-style: chr1-116395158-A-G. GRCh37 (hg19) VCF-style: chr1-116937780-A-G.
Other names: c.1709A>G, p.Gln570Arg (NM_001160233.2); c.1616A>G, p.Gln539Arg (NM_001160234.2); short protein forms Q539R, Q570R.
Identifiers: ClinVar variation 2711645 (VCV002711645.3), dbSNP rs2525861162, ClinGen allele CA341771436.
Genomic context (GRCh38, chr1:116,395,158, plus strand): 5'-TCCTCCTCGCAGGTTTCTGCCACCTCTTTCTGCCAGATGAACAGTTTCCTGAAGGGTTCC[A>G]GTTTGACACTGACGATGTGAATTTCCCTATCGATAATCTGTGCTTTGTTGGGCTCATCTC-3'
Protein context (NP_000692.2, residues 560-580): LPDEQFPEGF[Gln570Arg]FDTDDVNFPI